The following is an entry in ClinVar:

ClinVar aggregate classification (germline): Likely benign (1 of 4 stars; one submission).

Allele frequency attached by ClinVar (database versions not stated): gnomAD exomes below 0.00001; TOPMed below 0.00001; gnomAD 0.00001.
gnomAD v4.1: 4 of 1,550,760 alleles (0.00026%); highest among the groups gnomAD compares: Non-Finnish European, 0.00035%; no homozygotes.

Submission:

CeGaT Center for Human Genetics Tuebingen
Classification: Likely benign. Last evaluated: 2022-12-01. Review status: criteria provided, single submitter. Criteria: CeGaT Center For Human Genetics Tuebingen Variant Classification Criteria Version 2. Collection method: clinical testing. Allele origin: germline. Affected: yes. Observed: 2 variant alleles.
Comment: ADGB: BP4

NM_024694.4(ADGB):c.1040C>A (p.Ser347Tyr)

Gene: ADGB (androglobin; plus strand). Cytogenetic location: 6q24.3.
Variant type: single nucleotide variant.
Coding change: c.1040C>A on transcript NM_024694.4 (MANE Select); coding-DNA position 1040, C replaced by A.
Protein change: p.Ser347Tyr; replaces serine 347 with tyrosine.
Molecular consequence: missense variant.
Genome position (GRCh38, 1-based): chr6:146,672,420, C>A. VCF-style: chr6-146672420-C-A. GRCh37 (hg19) VCF-style: chr6-146993556-C-A.
Other names: short protein forms S347Y.
Identifiers: ClinVar variation 2656977 (VCV002656977.24), dbSNP rs1180645861, ClinGen allele CA366200157.
Genomic context (GRCh38, chr6:146,672,420, plus strand): 5'-GAAAAGAAATAAAGGATGGAAAGGAAGTAAAAGACGTGAAGGAATTCAAACCTGAAAGTT[C>A]TTTGACAACACTAAAGGCTCCTGAGAAAAGCGACAAAGTTCCAAAGGGTAAGATATTTTA-3'
Protein context (NP_078970.3, residues 337-357): KDVKEFKPES[Ser347Tyr]LTTLKAPEKS